The following is an entry in ClinVar:

ClinVar aggregate classification (germline): Likely benign. Review status: criteria provided, multiple submitters, no conflicts (2 of 4 stars). 3 submissions from 3 submitters: Likely benign (3). Last evaluated 2026-05-01.

Conditions:
Meckel syndrome, type 3 (MKS3). Also called: MECKEL-GRUBER SYNDROME, TYPE 3. Identifiers: Orphanet 564, MedGen C1846357, MONDO:0011821, OMIM 607361.
Nephronophthisis 11 (NPHP11). Identifiers: Orphanet 84081, MedGen C3150796, MONDO:0013302, OMIM 613550.
Bardet-Biedl syndrome 14 (BBS14). Identifiers: Orphanet 110, MedGen C2673874, MONDO:0014442, OMIM 615991.
COACH syndrome 1. Identifiers: Orphanet 1454, MedGen C5435651, MONDO:0800103, OMIM 216360, MONDO:0008996.
Joubert syndrome 6 (JBTS6). Identifiers: Orphanet 475, MedGen C1853153, MONDO:0012539, OMIM 610688.
RHYNS syndrome. Also called: RETINITIS PIGMENTOSA SYNDROME; RETINITIS PIGMENTOSA, HYPOPITUITARISM, NEPHRONOPHTHISIS, AND MILD SKELETAL DYSPLASIA. Identifiers: Orphanet 140976, MedGen C1865794, MONDO:0011202, OMIM 602152.
Meckel-Gruber syndrome. Also called: Dysencephalia splachnocystica; DYSENCEPHALIA SPLANCHNOCYSTICA; GRUBER SYNDROME. Identifiers: Orphanet 564, MedGen C0265215, MONDO:0018921.
Joubert syndrome. Also called: JOUBERT-BOLTSHAUSER SYNDROME; Familial aplasia of the vermis. Identifiers: Orphanet 475, MedGen C5979921, MONDO:0018772.

Allele frequency attached by ClinVar (database versions not stated): gnomAD 0.00001 and 0.00002; gnomAD exomes 0.00001; TOPMed 0.00002.
gnomAD v4.1: 28 of 1,613,974 alleles (0.0017%); highest among the groups gnomAD compares: African/African-American, 0.0027%; no homozygotes.

Submissions (3):

CeGaT Center for Human Genetics Tuebingen
Classification: Likely benign. Last evaluated: 2026-05-01. Review status: criteria provided, single submitter. Criteria: CeGaT Center For Human Genetics Tuebingen Variant Classification Criteria Version 2. Collection method: clinical testing. Allele origin: germline. Affected: yes. Observed: 1 variant allele.
Comment: TMEM67: BP4, BP7

Labcorp Genetics (formerly Invitae), Labcorp
Classification: Likely benign for Joubert syndrome; Meckel-Gruber syndrome. Last evaluated: 2025-07-30. Review status: criteria provided, single submitter. Criteria: Invitae Variant Classification Sherloc (09022015). Collection method: clinical testing. Allele origin: germline.

Fulgent Genetics
Classification: Likely benign for COACH syndrome 1; RHYNS syndrome; Meckel syndrome, type 3; Joubert syndrome 6; Nephronophthisis 11; Bardet-Biedl syndrome 14. Last evaluated: 2022-02-24. Review status: criteria provided, single submitter. Criteria: ACMG Guidelines, 2015. Collection method: clinical testing. Allele origin: unknown.

NM_153704.6(TMEM67):c.780C>T (p.Tyr260=)

Gene: TMEM67 (transmembrane protein 67; plus strand). Cytogenetic location: 8q22.1.
Variant type: single nucleotide variant.
Coding change: c.780C>T on transcript NM_153704.6 (MANE Select); coding-DNA position 780, C replaced by T.
Protein change: p.Tyr260=; no amino-acid change (tyrosine 260 retained).
Molecular consequence: synonymous variant. On other transcripts: non-coding transcript variant (1).
Genome position (GRCh38, 1-based): chr8:93,780,658, C>T. VCF-style: chr8-93780658-C-T. GRCh37 (hg19) VCF-style: chr8-94792886-C-T.
Other names: c.537C>T, p.Tyr179= (NM_001142301.1).
Identifiers: ClinVar variation 1651748 (VCV001651748.11), dbSNP rs966581270, ClinGen allele CA181326420.
Genomic context (GRCh38, chr8:93,780,658, plus strand): 5'-TGCCAATCTAACATCTTGTCAAGCTCTTGGAAATATGTGTGTGATGAACATGAATTCTTA[C>T]GACTTTGCCACATTTGATGCATGTGGACTATTTCAGTTTATCTTTGAAAATACTGCTGGA-3'
Protein context (NP_714915.3, residues 250-270): GNMCVMNMNS[Tyr260=]DFATFDACGL